The following is an entry in ClinVar:

NM_001377.3(DYNC2H1):c.8621C>T (p.Thr2874Ile)

Gene: DYNC2H1 (dynein cytoplasmic 2 heavy chain 1; plus strand). Cytogenetic location: 11q22.3.
Variant type: single nucleotide variant.
Coding change: c.8621C>T on transcript NM_001377.3 (MANE Select); coding-DNA position 8621, C replaced by T.
Protein change: p.Thr2874Ile; replaces threonine 2874 with isoleucine.
Molecular consequence: missense variant.
Genome position (GRCh38, 1-based): chr11:103,211,870, C>T. VCF-style: chr11-103211870-C-T. GRCh37 (hg19) VCF-style: chr11-103082599-C-T.
Other names: c.8621C>T, p.Thr2874Ile (NM_001080463.2); short protein forms T2874I.
Identifiers: ClinVar variation 1431500 (VCV001431500.6), dbSNP rs1274718345, ClinGen allele CA382260558.

ClinVar aggregate classification (germline): Uncertain significance (1 of 4 stars; one submission).

Conditions:
Jeune thoracic dystrophy. Also called: Short-rib thoracic dysplasia; Jeune syndrome; Infantile thoracic dystrophy; Thoracic pelvic phalangeal dystrophy; Jeune's syndrome; Chondroectodermal dysplasia-like syndrome. Identifiers: Orphanet 474, MedGen C0265275, MONDO:0018770.

Allele frequency attached by ClinVar (database versions not stated): gnomAD exomes below 0.00001 and 0.00001.
gnomAD v4.1: 2 of 1,530,858 alleles (0.00013%); highest among the groups gnomAD compares: Non-Finnish European, 0.00018%; no homozygotes.

Submission:

Labcorp Genetics (formerly Invitae), Labcorp
Classification: Uncertain significance for Jeune thoracic dystrophy. Last evaluated: 2022-07-25. Review status: criteria provided, single submitter. Criteria: Invitae Variant Classification Sherloc (09022015). Collection method: clinical testing. Allele origin: germline.
Comment: In summary, the available evidence is currently insufficient to determine the role of this variant in disease. Therefore, it has been classified as a Variant of Uncertain Significance. Advanced modeling of protein sequence and biophysical properties (such as structural, functional, and spatial information, amino acid conservation, physicochemical variation, residue mobility, and thermodynamic stability) performed at Invitae indicates that this missense variant is not expected to disrupt DYNC2H1 protein function. ClinVar contains an entry for this variant (Variation ID: 1431500). This variant has not been reported in the literature in individuals affected with DYNC2H1-related conditions. The frequency data for this variant in the population databases is considered unreliable, as metrics indicate poor data quality at this position in the gnomAD database. This sequence change replaces threonine, which is neutral and polar, with isoleucine, which is neutral and non-polar, at codon 2874 of the DYNC2H1 protein (p.Thr2874Ile).